The following is an entry in ClinVar:

NM_014991.6(WDFY3):c.4885A>G (p.Asn1629Asp)

Gene: WDFY3 (WD repeat and FYVE domain containing 3; minus strand). Cytogenetic location: 4q21.23.
Variant type: single nucleotide variant.
Coding change: c.4885A>G on transcript NM_014991.6 (MANE Select); coding-DNA position 4885, A replaced by G.
Protein change: p.Asn1629Asp; replaces asparagine 1629 with aspartic acid.
Molecular consequence: missense variant.
Genome position (GRCh38, 1-based): chr4:84,766,337, T>C on the plus strand (A>G on the coding strand, the complement: WDFY3 is on the minus strand). VCF-style: chr4-84766337-T-C. GRCh37 (hg19) VCF-style: chr4-85687490-T-C.
Other names: short protein forms N1629D.
Identifiers: ClinVar variation 5008999 (VCV005008999.1).

ClinVar aggregate classification (germline): Uncertain significance (1 of 4 stars; one submission).

Submission:

GeneDx
Classification: Uncertain significance. Last evaluated: 2026-02-13. Review status: criteria provided, single submitter. Criteria: GeneDx Variant Classification Process June 2021. Collection method: clinical testing. Allele origin: germline.
Comment: Not observed at significant frequency in large population cohorts (gnomAD); In silico analysis suggests that this missense variant does not alter protein structure/function; Has not been previously published as pathogenic or benign to our knowledge